The following is an entry in ClinVar:

ClinVar aggregate classification (germline): Benign. Review status: criteria provided, multiple submitters, no conflicts (2 of 4 stars). 4 submissions from 4 submitters: Benign (4). Last evaluated 2026-01-05.

Conditions:
Van Maldergem syndrome 2 (VMLDS2). Identifiers: Orphanet 314679, MedGen C3809875, MONDO:0014242, OMIM 615546.
Hennekam lymphangiectasia-lymphedema syndrome 2 (HKLLS2). Identifiers: Orphanet 2136, MedGen C4014939, MONDO:0014454, OMIM 616006.

Allele frequency attached by ClinVar (database versions not stated): gnomAD 0.00083 and 0.00111; gnomAD exomes 0.00114 and 0.00291; TOPMed 0.00138; ExAC 0.00268; 1000 Genomes Project 30x 0.00437; 1000 Genomes Project 0.00479.
gnomAD v4.1: 1,818 of 1,613,726 alleles (0.11%); highest among the groups gnomAD compares: East Asian, 3.4%; 31 homozygotes.

Submissions (4):

Labcorp Genetics (formerly Invitae), Labcorp
Classification: Benign. Last evaluated: 2026-01-05. Review status: criteria provided, single submitter. Criteria: Invitae Variant Classification Sherloc (09022015). Collection method: clinical testing. Allele origin: germline.

Fulgent Genetics
Classification: Benign for Van Maldergem syndrome 2; Hennekam lymphangiectasia-lymphedema syndrome 2. Last evaluated: 2021-07-22. Review status: criteria provided, single submitter. Criteria: ACMG Guidelines, 2015. Collection method: clinical testing. Allele origin: unknown.

GeneDx
Classification: Benign. Last evaluated: 2018-05-10. Review status: criteria provided, single submitter. Criteria: GeneDx Variant Classification (06012015). Collection method: clinical testing. Allele origin: germline. Affected: yes.
Comment: This variant is considered likely benign or benign based on one or more of the following criteria: it is a conservative change, it occurs at a poorly conserved position in the protein, it is predicted to be benign by multiple in silico algorithms, and/or has population frequency not consistent with disease.

Breakthrough Genomics
Classification: Benign. Review status: criteria provided, single submitter. Criteria: ACMG Guidelines, 2015. Collection method: not provided. Allele origin: germline. Inheritance: Autosomal recessive inheritance. Affected: yes.

NM_001291303.3(FAT4):c.2919C>T (p.Val973=)

Gene: FAT4 (FAT atypical cadherin 4; plus strand). Cytogenetic location: 4q28.1.
Variant type: single nucleotide variant.
Coding change: c.2919C>T on transcript NM_001291303.3 (MANE Select); coding-DNA position 2919, C replaced by T.
Protein change: p.Val973=; no amino-acid change (valine 973 retained).
Molecular consequence: synonymous variant.
Genome position (GRCh38, 1-based): chr4:125,319,330, C>T. VCF-style: chr4-125319330-C-T. GRCh37 (hg19) VCF-style: chr4-126240485-C-T.
Other names: c.2919C>T, p.Val973= (NM_001291285.3, NM_024582.6).
Identifiers: ClinVar variation 670933 (VCV000670933.12), dbSNP rs144356360, ClinGen allele CA3072228.